The following is an entry in ClinVar:

ClinVar aggregate classification (germline): Uncertain significance (1 of 4 stars; one submission).

Conditions:
Immunodeficiency-centromeric instability-facial anomalies syndrome 2 (ICF2). Identifiers: Orphanet 2268, MedGen C3279748, MONDO:0013553, OMIM 614069.

gnomAD v4.1: 1 of 1,614,104 alleles (0.000062%); highest among the groups gnomAD compares: Middle Eastern, 0.017%; no homozygotes.

Submission:

Labcorp Genetics (formerly Invitae), Labcorp
Classification: Uncertain significance for Immunodeficiency-centromeric instability-facial anomalies syndrome 2. Last evaluated: 2025-08-11. Review status: criteria provided, single submitter. Criteria: Invitae Variant Classification Sherloc (09022015). Collection method: clinical testing. Allele origin: germline.
Comment: This sequence change replaces threonine, which is neutral and polar, with proline, which is neutral and non-polar, at codon 353 of the ZBTB24 protein (p.Thr353Pro). This variant is not present in population databases (gnomAD no frequency). This variant has not been reported in the literature in individuals affected with ZBTB24-related conditions. An algorithm developed to predict the effect of missense changes on protein structure and function (PolyPhen-2) suggests that this variant is likely to be tolerated. In summary, the available evidence is currently insufficient to determine the role of this variant in disease. Therefore, it has been classified as a Variant of Uncertain Significance.

NM_014797.3(ZBTB24):c.1057A>C (p.Thr353Pro)

Gene: ZBTB24 (zinc finger and BTB domain containing 24; minus strand). Cytogenetic location: 6q21.
Variant type: single nucleotide variant.
Coding change: c.1057A>C on transcript NM_014797.3 (MANE Select); coding-DNA position 1057, A replaced by C.
Protein change: p.Thr353Pro; replaces threonine 353 with proline.
Molecular consequence: missense variant.
Genome position (GRCh38, 1-based): chr6:109,476,826, T>G on the plus strand (A>C on the coding strand, the complement: ZBTB24 is on the minus strand). VCF-style: chr6-109476826-T-G. GRCh37 (hg19) VCF-style: chr6-109798029-T-G.
Other names: short protein forms T353P.
Identifiers: ClinVar variation 4777405 (VCV004777405.1).
Genomic context (GRCh38, chr6:109,476,826, plus strand): 5'-AGTGCAGGCTCATGTGCTCCAGCAGTGAGTGCTTGGTGGTCAGAGCCTTGCTGCACACGG[T>G]GCAGGTGTACGGCCGCTCGCCTGTGTGCATCCTGGTGTGGACCTGTAGCGAGTGCTTCTG-3'
Protein context (NP_055612.2, residues 343-363): MHTGERPYTC[Thr353Pro]VCSKALTTKH